The following is an entry in ClinVar:

NM_004304.5(ALK):c.2695G>A (p.Gly899Ser)

Gene: ALK (ALK receptor tyrosine kinase; minus strand). Cytogenetic location: 2p23.2.
Variant type: single nucleotide variant.
Coding change: c.2695G>A on transcript NM_004304.5 (MANE Select); coding-DNA position 2695, G replaced by A.
Protein change: p.Gly899Ser; replaces glycine 899 with serine.
Molecular consequence: missense variant.
Genome position (GRCh38, 1-based): chr2:29,229,004, C>T on the plus strand (G>A on the coding strand, the complement: ALK is on the minus strand). VCF-style: chr2-29229004-C-T. GRCh37 (hg19) VCF-style: chr2-29451870-C-T.
Other names: short protein forms G899S.
Identifiers: ClinVar variation 4039809 (VCV004039809.2).

ClinVar aggregate classification (germline): Uncertain significance. Review status: criteria provided, multiple submitters, no conflicts (2 of 4 stars). 2 submissions from 2 submitters: Uncertain significance (2). Last evaluated 2025-04-11.

Conditions:
Hereditary cancer-predisposing syndrome. Also called: Neoplastic Syndromes, Hereditary; Tumor predisposition; Hereditary Cancer Syndrome; Hereditary neoplastic syndrome. Identifiers: Orphanet 140162, MedGen C0027672, MeSH D009386, MONDO:0015356.
Neuroblastoma, susceptibility to, 3. Also called: ALK-Related Neuroblastic Tumor Susceptibility. Identifiers: Orphanet 635, MedGen C2751681, MONDO:0013083, OMIM 613014.

gnomAD v4.1: 5 of 1,613,230 alleles (0.00031%); highest among the groups gnomAD compares: Non-Finnish European, 0.00042%; no homozygotes.

Submissions (2):

Ambry Genetics
Classification: Uncertain significance for Hereditary cancer-predisposing syndrome. Last evaluated: 2025-04-11. Review status: criteria provided, single submitter. Criteria: Ambry Variant Classification Scheme 2023. Collection method: clinical testing. Allele origin: germline.
Comment: The p.G899S variant (also known as c.2695G>A), located in coding exon 16 of the ALK gene, results from a G to A substitution at nucleotide position 2695. The glycine at codon 899 is replaced by serine, an amino acid with similar properties. This amino acid position is conserved. In addition, the in silico prediction for this alteration is inconclusive. Based on the available evidence, the clinical significance of this variant remains unclear.

Labcorp Genetics (formerly Invitae), Labcorp
Classification: Uncertain significance for Neuroblastoma, susceptibility to, 3. Last evaluated: 2025-03-23. Review status: criteria provided, single submitter. Criteria: Invitae Variant Classification Sherloc (09022015). Collection method: clinical testing. Allele origin: germline.
Comment: This sequence change replaces glycine, which is neutral and non-polar, with serine, which is neutral and polar, at codon 899 of the ALK protein (p.Gly899Ser). This variant is not present in population databases (gnomAD no frequency). This variant has not been reported in the literature in individuals affected with ALK-related conditions. An algorithm developed to predict the effect of missense changes on protein structure and function (PolyPhen-2) suggests that this variant is likely to be disruptive. In summary, the available evidence is currently insufficient to determine the role of this variant in disease. Therefore, it has been classified as a Variant of Uncertain Significance.